The following is an entry in ClinVar:

NM_002907.4(RECQL):c.457C>T (p.Gln153Ter)

Gene: RECQL (RecQ like helicase; minus strand). Cytogenetic location: 12p12.1.
Variant type: single nucleotide variant.
Coding change: c.457C>T on transcript NM_002907.4 (MANE Select); coding-DNA position 457, C replaced by T.
Protein change: p.Gln153Ter; replaces glutamine 153 with a stop codon.
Molecular consequence: nonsense.
Genome position (GRCh38, 1-based): chr12:21,486,523, G>A on the plus strand (C>T on the coding strand, the complement: RECQL is on the minus strand). VCF-style: chr12-21486523-G-A. GRCh37 (hg19) VCF-style: chr12-21639457-G-A.
Other names: c.457C>T, p.Gln153Ter (NM_032941.3); short protein forms Q153*.
Identifiers: ClinVar variation 2450966 (VCV002450966.2), dbSNP rs2540386908, ClinGen allele CA384130066.

ClinVar aggregate classification (germline): Uncertain significance (1 of 4 stars; one submission).

Submission:

Ambry Genetics
Classification: Uncertain significance. Last evaluated: 2022-12-23. Review status: criteria provided, single submitter. Criteria: Ambry Variant Classification Scheme 2023. Collection method: clinical testing. Allele origin: germline.
Comment: The p.Q153* variant (also known as c.457C>T), located in coding exon 4 of the RECQL gene, results from a C to T substitution at nucleotide position 457. This changes the amino acid from a glutamine to a stop codon within coding exon 4. This alteration is expected to result in loss of function by premature protein truncation or nonsense-mediated mRNA decay. The evidence for this gene-disease relationship is limited; therefore, the clinical significance of this alteration is unclear.